The following is an entry in ClinVar:

NM_016955.4(SEPSECS):c.505C>T (p.Arg169Ter)

Gene: SEPSECS (Sep (O-phosphoserine) tRNA:Sec (selenocysteine) tRNA synthase; minus strand). Cytogenetic location: 4p15.2.
Variant type: single nucleotide variant.
Coding change: c.505C>T on transcript NM_016955.4 (MANE Select); coding-DNA position 505, C replaced by T.
Protein change: p.Arg169Ter; replaces arginine 169 with a stop codon.
Molecular consequence: nonsense.
Genome position (GRCh38, 1-based): chr4:25,156,079, G>A on the plus strand (C>T on the coding strand, the complement: SEPSECS is on the minus strand). VCF-style: chr4-25156079-G-A. GRCh37 (hg19) VCF-style: chr4-25157701-G-A.
Other names: c.760C>T, p.Arg254Ter (NM_001410714.1); c.505C>T, p.Arg169Ter (NM_153825.2); c.505C>T (NM_016955.3); short protein forms R169*, R254*.
Identifiers: ClinVar variation 2126148 (VCV002126148.6), dbSNP rs2474680377, ClinGen allele CA356542266.

ClinVar aggregate classification (germline): Pathogenic/Likely pathogenic. Review status: criteria provided, multiple submitters, no conflicts (2 of 4 stars). 2 submissions from 2 submitters: Pathogenic (1); Likely pathogenic (1). Last evaluated 2024-05-28.

Conditions:
Pontocerebellar hypoplasia type 2D (PCH2D). Also called: Progressive cerebello-cerebral atrophy. Identifiers: Orphanet 247198, Orphanet 2524, MedGen C3151140, MONDO:0013438, OMIM 613811.

Allele frequency attached by ClinVar (database versions not stated): gnomAD exomes below 0.00001.
gnomAD v4.1: 3 of 1,613,806 alleles (0.00019%); highest among the groups gnomAD compares: Non-Finnish European, 0.00025%; no homozygotes.

Submissions (2):

Natera, Inc.
Classification: Likely pathogenic for Pontocerebellar hypoplasia type 2d. Last evaluated: 2024-05-28. Review status: criteria provided, single submitter. Criteria: Natera Variant Classification Schema (03/2026). Collection method: clinical testing. Allele origin: germline.
Comment: The c.505C>T variant in SEPSECS is a nonsense variant predicted to introduce a stop codon at amino acid 169. This variant is expected to result in nonsense mediated decay, truncation, or a dysfunctional protein product. This variant is rare in the general population with a frequency below the threshold expected for the associated phenotype(s). Given the available evidence, this variant is classified as Likely Pathogenic.

Labcorp Genetics (formerly Invitae), Labcorp
Classification: Pathogenic. Last evaluated: 2022-08-05. Review status: criteria provided, single submitter. Criteria: Invitae Variant Classification Sherloc (09022015). Collection method: clinical testing. Allele origin: germline.
Comment: This variant is not present in population databases (gnomAD no frequency). For these reasons, this variant has been classified as Pathogenic. This variant has not been reported in the literature in individuals affected with SEPSECS-related conditions. This sequence change creates a premature translational stop signal (p.Arg169*) in the SEPSECS gene. It is expected to result in an absent or disrupted protein product. Loss-of-function variants in SEPSECS are known to be pathogenic (PMID: 25558065, 25590979, 26115735).

Literature cited by the submitters: PubMed 25558065 (cited by Labcorp Genetics (formerly Invitae), Labcorp); PubMed 25590979 (cited by Labcorp Genetics (formerly Invitae), Labcorp); PubMed 26115735 (cited by Labcorp Genetics (formerly Invitae), Labcorp).